The following is an entry in ClinVar:

ClinVar aggregate classification (germline): Likely pathogenic (1 of 4 stars; one submission).

Conditions:
Dilated cardiomyopathy 1G (CMD1G). Identifiers: Orphanet 154, MedGen C1858763, MONDO:0011400, OMIM 604145.
Autosomal recessive limb-girdle muscular dystrophy type 2J (LGMDR10). Also called: Limb-girdle muscular dystrophy, type 2J; MUSCULAR DYSTROPHY, LIMB-GIRDLE, AUTOSOMAL RECESSIVE 10. Identifiers: Orphanet 140922, MedGen C1837342, MONDO:0012127, OMIM 608807.

Submission:

Labcorp Genetics (formerly Invitae), Labcorp
Classification: Likely pathogenic for Dilated cardiomyopathy 1G; Autosomal recessive limb-girdle muscular dystrophy type 2J. Last evaluated: 2022-09-07. Review status: criteria provided, single submitter. Criteria: Invitae Variant Classification Sherloc (09022015). Collection method: clinical testing. Allele origin: germline.
Comment: In summary, the currently available evidence indicates that the variant is pathogenic, but additional data are needed to prove that conclusively. Therefore, this variant has been classified as Likely Pathogenic. This sequence change creates a premature translational stop signal (p.Leu16037*) in the TTN gene. While this is not anticipated to result in nonsense mediated decay, it is expected to create a truncated TTN protein. This variant is not present in population databases (gnomAD no frequency). This variant has not been reported in the literature in individuals affected with TTN-related conditions. This variant is located in the A band of TTN (PMID: 25589632). Truncating variants in this region are significantly overrepresented in patients affected with dilated cardiomyopathy (PMID: 25589632). Truncating variants in this region have also been reported in individuals affected with autosomal recessive centronuclear myopathy (PMID: 23975875).

Literature cited by the submitters: PubMed 25589632; PubMed 23975875.

NM_001267550.2(TTN):c.48110T>A (p.Leu16037Ter)

Genes: TTN (titin; minus strand), TTN-AS1 (TTN antisense RNA 1; plus strand). Cytogenetic location: 2q31.2.
Variant type: single nucleotide variant.
Coding change: c.48110T>A on transcript NM_001267550.2 (MANE Select); coding-DNA position 48110, T replaced by A.
Protein change: p.Leu16037Ter; replaces leucine 16037 with a stop codon.
Molecular consequence: nonsense.
Genome position (GRCh38, 1-based): chr2:178,616,779, A>T on the plus strand (T>A on the coding strand, the complement: TTN is on the minus strand). VCF-style: chr2-178616779-A-T. GRCh37 (hg19) VCF-style: chr2-179481506-A-T.
Other names: c.43187T>A, p.Leu14396Ter (NM_001256850.1); c.20915T>A, p.Leu6972Ter (NM_003319.4); c.40406T>A, p.Leu13469Ter (NM_133378.4); c.21290T>A, p.Leu7097Ter (NM_133432.3); c.21491T>A, p.Leu7164Ter (NM_133437.4); short protein forms L7097*, L13469*, L14396*, L16037*, L7164*, L6972*.
Identifiers: ClinVar variation 2025117 (VCV002025117.4), dbSNP rs2470818553, ClinGen allele CA349612063.